The following is an entry in ClinVar:

NM_015175.3(NBEAL2):c.415C>T (p.Leu139=)

Gene: NBEAL2 (neurobeachin like 2; plus strand). Cytogenetic location: 3p21.31.
Variant type: single nucleotide variant.
Coding change: c.415C>T on transcript NM_015175.3 (MANE Select); coding-DNA position 415, C replaced by T.
Protein change: p.Leu139=; no amino-acid change (leucine 139 retained).
Molecular consequence: synonymous variant.
Genome position (GRCh38, 1-based): chr3:46,989,323, C>T. VCF-style: chr3-46989323-C-T. GRCh37 (hg19) VCF-style: chr3-47030813-C-T.
Other names: c.394C>T, p.Leu132= (NM_001365116.2).
Identifiers: ClinVar variation 3047668 (VCV003047668.3), dbSNP rs369897407, ClinGen allele CA2360100.

ClinVar aggregate classification (germline): Likely benign. Review status: criteria provided, single submitter (1 of 4 stars). 2 submissions from 2 submitters: Likely benign (1). 1 of the submissions does not count toward it. Last evaluated 2021-03-24.

Conditions:
NBEAL2-related disorder. Also called: NBEAL2-related condition.

Allele frequency attached by ClinVar (database versions not stated): ExAC 0.00004; gnomAD 0.00009; TOPMed 0.00015; ESP Exome Variant Server 0.00024.
gnomAD v4.1: 40 of 1,596,772 alleles (0.0025%); highest among the groups gnomAD compares: African/African-American, 0.032%; no homozygotes.

Submissions (2):

Blueprint Genetics
Classification: Likely benign. Last evaluated: 2021-03-24. Review status: criteria provided, single submitter. Criteria: ACMG Guidelines, 2015. Collection method: clinical testing. Allele origin: germline.

PreventionGenetics, part of Exact Sciences
Classification: Likely benign for NBEAL2-related condition. Last evaluated: 2019-02-22. Review status: no assertion criteria provided. Collection method: clinical testing. Allele origin: germline. Not counted in ClinVar's aggregate classification.
Comment: This variant is classified as likely benign based on ACMG/AMP sequence variant interpretation guidelines (Richards et al. 2015 PMID: 25741868, with internal and published modifications).